The following is an entry in ClinVar:

NM_005996.4(TBX3):c.1782C>A (p.Ala594=)

Gene: TBX3 (T-box transcription factor 3; minus strand). Cytogenetic location: 12q24.21.
Variant type: single nucleotide variant.
Coding change: c.1782C>A on transcript NM_005996.4 (MANE Select); coding-DNA position 1782, C replaced by A.
Protein change: p.Ala594=; no amino-acid change (alanine 594 retained).
Molecular consequence: synonymous variant.
Genome position (GRCh38, 1-based): chr12:114,672,231, G>T on the plus strand (C>A on the coding strand, the complement: TBX3 is on the minus strand). VCF-style: chr12-114672231-G-T. GRCh37 (hg19) VCF-style: chr12-115110036-G-T.
Other names: c.1842C>A, p.Ala614= (NM_016569.4).
Identifiers: ClinVar variation 3350360 (VCV003350360.1).

ClinVar aggregate classification (germline): Likely benign (0 of 4 stars; one submission).

Conditions:
TBX3-related disorder. Also called: TBX3-related condition.

gnomAD v4.1: 6 of 1,573,988 alleles (0.00038%); highest among the groups gnomAD compares: African/African-American, 0.0081%; no homozygotes.

Submission:

PreventionGenetics, part of Exact Sciences
Classification: Likely benign for TBX3-related condition. Last evaluated: 2019-09-16. Review status: no assertion criteria provided. Collection method: clinical testing. Allele origin: germline.
Comment: This variant is classified as likely benign based on ACMG/AMP sequence variant interpretation guidelines (Richards et al. 2015 PMID: 25741868, with internal and published modifications).